The following is an entry in ClinVar:

ClinVar aggregate classification (germline): Uncertain significance (1 of 4 stars; one submission).

gnomAD v4.1: 1 of 1,614,130 alleles (0.000062%); highest among the groups gnomAD compares: Admixed American, 0.0017%; no homozygotes.

Submission:

GeneDx
Classification: Uncertain significance. Last evaluated: 2025-07-08. Review status: criteria provided, single submitter. Criteria: GeneDx Variant Classification Process June 2021. Collection method: clinical testing. Allele origin: germline. Affected: yes.
Comment: Not observed at significant frequency in large population cohorts (gnomAD); In silico analysis supports that this missense variant has a deleterious effect on protein structure/function; Has not been previously published as pathogenic or benign to our knowledge

NM_198173.3(GRHL3):c.1555G>A (p.Val519Met)

Gene: GRHL3 (grainyhead like transcription factor 3; plus strand). Cytogenetic location: 1p36.11.
Variant type: single nucleotide variant.
Coding change: c.1555G>A on transcript NM_198173.3 (MANE Select); coding-DNA position 1555, G replaced by A.
Protein change: p.Val519Met; replaces valine 519 with methionine.
Molecular consequence: missense variant.
Genome position (GRCh38, 1-based): chr1:24,347,479, G>A. VCF-style: chr1-24347479-G-A. GRCh37 (hg19) VCF-style: chr1-24673969-G-A.
Other names: c.1417G>A, p.Val473Met (NM_001195010.2); c.1570G>A, p.Val524Met (NM_021180.4); c.1555G>A, p.Val519Met (NM_198174.3); short protein forms V473M, V519M, V524M.
Identifiers: ClinVar variation 4685169 (VCV004685169.1).